The following is an entry in ClinVar:

NM_001365951.3(KIF1B):c.5176C>G (p.Arg1726Gly)

Gene: KIF1B (kinesin family member 1B; plus strand). Cytogenetic location: 1p36.22.
Variant type: single nucleotide variant.
Coding change: c.5176C>G on transcript NM_001365951.3 (MANE Select); coding-DNA position 5176, C replaced by G.
Protein change: p.Arg1726Gly; replaces arginine 1726 with glycine.
Molecular consequence: missense variant.
Genome position (GRCh38, 1-based): chr1:10,374,933, C>G. VCF-style: chr1-10374933-C-G. GRCh37 (hg19) VCF-style: chr1-10434991-C-G.
Other names: c.5176C>G, p.Arg1726Gly (NM_001365952.1); c.5038C>G, p.Arg1680Gly (NM_015074.3); short protein forms R1726G, R1680G.
Identifiers: ClinVar variation 2767367 (VCV002767367.3), dbSNP rs754479325, ClinGen allele CA338330685.
Genomic context (GRCh38, chr1:10,374,933, plus strand): 5'-GGATACCTTCATTTCAAGGAGCCTCTTTACAGTAACTGGGCTAAACATTTTGTTGTCGTC[C>G]GTCGGCCTTATGTCTTCATCTATAACAGTGACAAAGACCCTGTGGAGCGTGGAATCATTA-3'
Protein context (NP_001352880.1, residues 1716-1736): SNWAKHFVVV[Arg1726Gly]RPYVFIYNSD

ClinVar aggregate classification (germline): Uncertain significance (1 of 4 stars; one submission).

Conditions:
Charcot-Marie-Tooth disease type 2. Also called: Charcot-Marie-Tooth type 2. Identifiers: Orphanet 64746, MedGen C0270914, MONDO:0018993.

gnomAD v4.1: 1 of 1,614,018 alleles (0.000062%); highest among the groups gnomAD compares: Non-Finnish European, 0.000085%; no homozygotes.

Submission:

Labcorp Genetics (formerly Invitae), Labcorp
Classification: Uncertain significance for Charcot-Marie-Tooth disease type 2. Last evaluated: 2023-10-10. Review status: criteria provided, single submitter. Criteria: Invitae Variant Classification Sherloc (09022015). Collection method: clinical testing. Allele origin: germline.
Comment: This sequence change replaces arginine, which is basic and polar, with glycine, which is neutral and non-polar, at codon 1680 of the KIF1B protein (p.Arg1680Gly). This variant is not present in population databases (gnomAD no frequency). This variant has not been reported in the literature in individuals affected with KIF1B-related conditions. An algorithm developed to predict the effect of missense changes on protein structure and function (PolyPhen-2) suggests that this variant is likely to be disruptive. In summary, the available evidence is currently insufficient to determine the role of this variant in disease. Therefore, it has been classified as a Variant of Uncertain Significance.